The following is an entry in ClinVar:

ClinVar aggregate classification (germline): Uncertain significance. Review status: criteria provided, multiple submitters, no conflicts (2 of 4 stars). 3 submissions from 3 submitters: Uncertain significance (2). 1 of the submissions does not count toward it. Last evaluated 2022-11-17.

Conditions:
Inborn genetic diseases. Identifiers: MedGen C0950123, MeSH D030342.
Pontocerebellar hypoplasia type 1A (PCH1A). Also called: PONTOCEREBELLAR HYPOPLASIA WITH ANTERIOR HORN CELL DISEASE; PONTOCEREBELLAR HYPOPLASIA WITH INFANTILE SPINAL MUSCULAR ATROPHY. Identifiers: Orphanet 2254, Orphanet 88616, MedGen C1843504, MONDO:0011866, OMIM 607596.

Allele frequency attached by ClinVar (database versions not stated): gnomAD exomes 0.00001.
gnomAD v4.1: 10 of 1,613,362 alleles (0.00062%); highest among the groups gnomAD compares: Non-Finnish European, 0.00085%; no homozygotes.

Submissions (3):

Ambry Genetics
Classification: Uncertain significance for Inborn genetic diseases. Last evaluated: 2022-11-17. Review status: criteria provided, single submitter. Criteria: Ambry Variant Classification Scheme 2023. Collection method: clinical testing. Allele origin: germline.

Labcorp Genetics (formerly Invitae), Labcorp
Classification: Uncertain significance for Pontocerebellar hypoplasia type 1A. Last evaluated: 2021-08-26. Review status: criteria provided, single submitter. Criteria: Invitae Variant Classification Sherloc (09022015). Collection method: clinical testing. Allele origin: germline.
Comment: This sequence change replaces aspartic acid with histidine at codon 273 of the VRK1 protein (p.Asp273His). The aspartic acid residue is moderately conserved and there is a moderate physicochemical difference between aspartic acid and histidine. This variant is not present in population databases (ExAC no frequency). This variant has not been reported in the literature in individuals affected with VRK1-related conditions. Algorithms developed to predict the effect of missense changes on protein structure and function are either unavailable or do not agree on the potential impact of this missense change (SIFT: "Deleterious"; PolyPhen-2: "Benign"; Align-GVGD: "Class C0"). In summary, the available evidence is currently insufficient to determine the role of this variant in disease. Therefore, it has been classified as a Variant of Uncertain Significance.

Natera, Inc.
Classification: Uncertain significance for Pontocerebellar hypoplasia, type 1a. Last evaluated: 2021-09-03. Review status: no assertion criteria provided. Collection method: clinical testing. Allele origin: germline. Not counted in ClinVar's aggregate classification.

NM_003384.3(VRK1):c.817G>C (p.Asp273His)

Gene: VRK1 (VRK serine/threonine kinase 1; plus strand). Cytogenetic location: 14q32.2.
Variant type: single nucleotide variant.
Coding change: c.817G>C on transcript NM_003384.3 (MANE Select); coding-DNA position 817, G replaced by C.
Protein change: p.Asp273His; replaces aspartic acid 273 with histidine.
Molecular consequence: missense variant.
Genome position (GRCh38, 1-based): chr14:96,856,237, G>C. VCF-style: chr14-96856237-G-C. GRCh37 (hg19) VCF-style: chr14-97322574-G-C.
Other names: short protein forms D273H.
Identifiers: ClinVar variation 647867 (VCV000647867.6), dbSNP rs1595677216, ClinGen allele CA390931602.